The following is an entry in ClinVar:

ClinVar aggregate classification (germline): Uncertain significance (1 of 4 stars; one submission).

Conditions:
Arrhythmogenic right ventricular dysplasia 5. Also called: ARRHYTHMOGENIC RIGHT VENTRICULAR DYSPLASIA, FAMILIAL, 5; Arrhythmogenic Right Ventricular Dysplasia/Cardiomyopathy 5. Identifiers: MedGen C1858379, MONDO:0011459, OMIM 604400.

Submission:

Labcorp Genetics (formerly Invitae), Labcorp
Classification: Uncertain significance for Arrhythmogenic right ventricular dysplasia 5. Last evaluated: 2023-10-03. Review status: criteria provided, single submitter. Criteria: Invitae Variant Classification Sherloc (09022015). Collection method: clinical testing. Allele origin: germline.
Comment: This sequence change replaces serine, which is neutral and polar, with cysteine, which is neutral and slightly polar, at codon 171 of the TMEM43 protein (p.Ser171Cys). This variant is not present in population databases (gnomAD no frequency). This variant has not been reported in the literature in individuals affected with TMEM43-related conditions. ClinVar contains an entry for this variant (Variation ID: 1369810). An algorithm developed to predict the effect of missense changes on protein structure and function (PolyPhen-2) suggests that this variant is likely to be disruptive. In summary, the available evidence is currently insufficient to determine the role of this variant in disease. Therefore, it has been classified as a Variant of Uncertain Significance.

NM_024334.3(TMEM43):c.511A>T (p.Ser171Cys)

Gene: TMEM43 (transmembrane protein 43; plus strand). Cytogenetic location: 3p25.1.
Variant type: single nucleotide variant.
Coding change: c.511A>T on transcript NM_024334.3 (MANE Select); coding-DNA position 511, A replaced by T.
Protein change: p.Ser171Cys; replaces serine 171 with cysteine.
Molecular consequence: missense variant.
Genome position (GRCh38, 1-based): chr3:14,132,934, A>T. VCF-style: chr3-14132934-A-T. GRCh37 (hg19) VCF-style: chr3-14174434-A-T.
Other names: short protein forms S171C.
Identifiers: ClinVar variation 1369810 (VCV001369810.8), dbSNP rs2124989219, ClinGen allele CA351535250.